The following is an entry in ClinVar:

ClinVar aggregate classification (germline): Benign/Likely benign. Review status: criteria provided, multiple submitters, no conflicts (2 of 4 stars). 3 submissions from 3 submitters: Benign (1); Likely benign (2). Last evaluated 2025-08-17.

Conditions:
Familial adenomatous polyposis 1 (FAP1). Also called: POLYPOSIS, ADENOMATOUS INTESTINAL; FAMILIAL ADENOMATOUS POLYPOSIS 1, ATTENUATED. Identifiers: MedGen C2713442, MONDO:0021056, OMIM 175100. Disease mechanism: loss of function.
Hereditary cancer-predisposing syndrome. Also called: Tumor predisposition; Hereditary Cancer Syndrome; Neoplastic Syndromes, Hereditary; Hereditary neoplastic syndrome. Identifiers: Orphanet 140162, MedGen C0027672, MeSH D009386, MONDO:0015356.

Allele frequency attached by ClinVar (database versions not stated): gnomAD exomes below 0.00001; ExAC 0.00001.
gnomAD v4.1: 2 of 1,606,876 alleles (0.00012%); highest among the groups gnomAD compares: Non-Finnish European, 0.00017%; no homozygotes.

Submissions (3):

Labcorp Genetics (formerly Invitae), Labcorp
Classification: Likely benign for Familial adenomatous polyposis 1. Last evaluated: 2025-08-17. Review status: criteria provided, single submitter. Criteria: Invitae Variant Classification Sherloc (09022015). Collection method: clinical testing. Allele origin: germline.

Ambry Genetics
Classification: Likely benign for Hereditary cancer-predisposing syndrome. Last evaluated: 2025-08-11. Review status: criteria provided, single submitter. Criteria: Ambry Variant Classification Scheme 2023. Collection method: clinical testing. Allele origin: germline.

Myriad Genetics, Inc.
Classification: Benign for Familial adenomatous polyposis 1. Last evaluated: 2024-02-22. Review status: criteria provided, single submitter. Criteria: Myriad Autosomal Dominant, Autosomal Recessive and X-Linked Classification Criteria (2023). Collection method: clinical testing. Allele origin: unknown.
Comment: This variant is considered benign. This variant is a silent/synonymous amino acid change and it is not expected to impact splicing.

NM_000038.6(APC):c.150A>G (p.Gln50=)

Gene: APC (APC regulator of Wnt signaling pathway; plus strand). Cytogenetic location: 5q22.2.
Variant type: single nucleotide variant.
Coding change: c.150A>G on transcript NM_000038.6 (MANE Select); coding-DNA position 150, A replaced by G.
Protein change: p.Gln50=; no amino-acid change (glutamine 50 retained).
Molecular consequence: synonymous variant. On other transcripts: 5 prime UTR variant (4).
Genome position (GRCh38, 1-based): chr5:112,766,340, A>G. VCF-style: chr5-112766340-A-G. GRCh37 (hg19) VCF-style: chr5-112102037-A-G.
Other names: c.150A>G (NM_000038.5); c.150A>G, p.Gln50= (NM_001127510.3, NM_001354895.2, NM_001354896.2 and 2 more transcripts); c.180A>G, p.Gln60= (NM_001127511.3, NM_001354897.2, NM_001354902.2); c.75A>G, p.Gln25= (NM_001354898.2, NM_001354904.2); c.-28A>G (NM_001354900.2, NM_001354901.2, NM_001354905.2); c.-886A>G (NM_001354906.2).
Identifiers: ClinVar variation 1585519 (VCV001585519.10), dbSNP rs771884136, ClinGen allele CA028059.